The following is an entry in ClinVar:

NM_181332.3(NLGN4X):c.599C>T (p.Thr200Ile)

Gene: NLGN4X (neuroligin 4 X-linked; minus strand). Cytogenetic location: Xp22.32.
Variant type: single nucleotide variant.
Coding change: c.599C>T on transcript NM_181332.3 (MANE Select); coding-DNA position 599, C replaced by T.
Protein change: p.Thr200Ile; replaces threonine 200 with isoleucine.
Molecular consequence: missense variant.
Genome position (GRCh38, 1-based): chrX:6,029,306, G>A on the plus strand (C>T on the coding strand, the complement: NLGN4X is on the minus strand). VCF-style: chrX-6029306-G-A. GRCh37 (hg19) VCF-style: chrX-5947347-G-A.
Other names: c.599C>T, p.Thr200Ile (NM_001282145.2, NM_001282146.2, NM_020742.4); short protein forms T200I.
Identifiers: ClinVar variation 1806570 (VCV001806570.2), dbSNP rs2518909385, ClinGen allele CA412014329.

ClinVar aggregate classification (germline): Uncertain significance (1 of 4 stars; one submission).

Submission:

GeneDx
Classification: Uncertain significance. Last evaluated: 2024-12-10. Review status: criteria provided, single submitter. Criteria: GeneDx Variant Classification Process June 2021. Collection method: clinical testing. Allele origin: germline. Affected: yes.
Comment: Not observed at significant frequency in large population cohorts (gnomAD); In silico analysis supports that this missense variant has a deleterious effect on protein structure/function; Has not been previously published as pathogenic or benign to our knowledge